The following is an entry in ClinVar:

ClinVar aggregate classification (germline): Uncertain significance. Review status: criteria provided, multiple submitters, no conflicts (2 of 4 stars). 3 submissions from 3 submitters: Uncertain significance (3). Last evaluated 2026-01-19.

Conditions:
Basal cell carcinoma, susceptibility to, 1. Also called: BCC1. Identifiers: MedGen C2751544, MONDO:0011556, OMIM 605462.
Gorlin syndrome. Also called: Nevoid Basal Cell Carcinoma Syndrome; Basal cell nevus syndrome. Identifiers: Orphanet 377, MedGen C0004779, MONDO:0007187.
Medulloblastoma (MDB). Also called: MEDULLOBLASTOMA PREDISPOSITION SYNDROME; Medulloblastoma, somatic. Identifiers: Orphanet 616, MedGen C0025149, MeSH D008527, MONDO:0007959, OMIM 155255, HP:0002885.

Allele frequency attached by ClinVar (database versions not stated): gnomAD 0.00001; gnomAD exomes 0.00001 and 0.00002; ExAC 0.00002; TOPMed 0.00002.
gnomAD v4.1: 14 of 1,613,968 alleles (0.00087%); highest among the groups gnomAD compares: Middle Eastern, 0.017%; no homozygotes.

Submissions (3):

Labcorp Genetics (formerly Invitae), Labcorp
Classification: Uncertain significance for Gorlin syndrome. Last evaluated: 2026-01-19. Review status: criteria provided, single submitter. Criteria: Invitae Variant Classification Sherloc (09022015). Collection method: clinical testing. Allele origin: germline.
Comment: This sequence change replaces arginine, which is basic and polar, with cysteine, which is neutral and slightly polar, at codon 37 of the PTCH2 protein (p.Arg37Cys). This variant is present in population databases (rs768246990, gnomAD 0.01%). This variant has not been reported in the literature in individuals affected with PTCH2-related conditions. ClinVar contains an entry for this variant (Variation ID: 570977). Invitae Evidence Modeling of protein sequence and biophysical properties (such as structural, functional, and spatial information, amino acid conservation, physicochemical variation, residue mobility, and thermodynamic stability) indicates that this missense variant is expected to disrupt PTCH2 protein function with a positive predictive value of 80%. Algorithms developed to predict the effect of sequence changes on RNA splicing suggest that this variant may disrupt the consensus splice site. In summary, the available evidence is currently insufficient to determine the role of this variant in disease. Therefore, it has been classified as a Variant of Uncertain Significance.

Ambry Genetics
Classification: Uncertain significance. Last evaluated: 2023-07-12. Review status: criteria provided, single submitter. Criteria: Ambry Variant Classification Scheme 2023. Collection method: clinical testing. Allele origin: germline.

Fulgent Genetics
Classification: Uncertain significance for Basal cell nevus syndrome 1; Medulloblastoma; Basal cell carcinoma, susceptibility to, 1. Last evaluated: 2018-10-31. Review status: criteria provided, single submitter. Criteria: ACMG Guidelines, 2015. Collection method: clinical testing. Allele origin: unknown.

NM_003738.5(PTCH2):c.109C>T (p.Arg37Cys)

Gene: PTCH2 (patched 2; minus strand). Cytogenetic location: 1p34.1.
Variant type: single nucleotide variant.
Coding change: c.109C>T on transcript NM_003738.5 (MANE Select); coding-DNA position 109, C replaced by T.
Protein change: p.Arg37Cys; replaces arginine 37 with cysteine.
Molecular consequence: missense variant.
Genome position (GRCh38, 1-based): chr1:44,842,003, G>A on the plus strand (C>T on the coding strand, the complement: PTCH2 is on the minus strand). VCF-style: chr1-44842003-G-A. GRCh37 (hg19) VCF-style: chr1-45307675-G-A.
Other names: c.109C>T, p.Arg37Cys (NM_001166292.2); short protein forms R37C.
Identifiers: ClinVar variation 570977 (VCV000570977.14), dbSNP rs768246990, ClinGen allele CA823740.
Genomic context (GRCh38, chr1:44,842,003, plus strand): 5'-TGCCACAATGTCTCTGGATCCCGCATCCCAGAGAGAAGAGCAGGCCCTGGAAGTAAGCAC[G>A]AAGCCAGAGTGGAGCCTTCAGGCTCCCAGCTAGGATCTGGGATGGAAAGAGAAGGGTCAG-3'
Protein context (NP_003729.3, residues 27-47): AGSLKAPLWL[Arg37Cys]AYFQGLLFSL